The following is an entry in ClinVar:

ClinVar aggregate classification (germline): Uncertain significance (1 of 4 stars; one submission).

Conditions:
Spondyloepimetaphyseal dysplasia-short limb-abnormal calcification syndrome (SMED-SL). Also called: SMED, TYPE II; SMED-SL/AC; SMED short limb-hand type; SMED type 2; Spondylometaepiphyseal dysplasia short limb-abnormal calcification type; Smed short limb-abnormal calcification type. Identifiers: Orphanet 93358, MedGen C1849011, MONDO:0010077, OMIM 271665.

Submission:

3billion
Classification: Uncertain significance for Spondyloepimetaphyseal dysplasia-short limb-abnormal calcification syndrome. Last evaluated: 2022-01-03. Review status: criteria provided, single submitter. Criteria: ACMG Guidelines, 2015. Collection method: clinical testing. Allele origin: germline. Affected: yes. Observed: 1 heterozygote.
Comment: The variant not observed in the gnomAD v2.1.1 dataset (PM2_M). In silico tool predictions suggest damaging effect of the variant on gene or gene product (REVEL: 0.878, PP3_P). A missense variant is a common mechanism associated with Spondylometaepiphyseal dysplasia. (PP2_P). Therefore, this variant is classified as uncertain significance according to the recommendation of ACMG/AMP guideline.

NM_006182.4(DDR2):c.313C>A (p.Arg105Ser)

Gene: DDR2 (discoidin domain receptor tyrosine kinase 2; plus strand). Cytogenetic location: 1q23.3.
Variant type: single nucleotide variant.
Coding change: c.313C>A on transcript NM_006182.4 (MANE Select); coding-DNA position 313, C replaced by A.
Protein change: p.Arg105Ser; replaces arginine 105 with serine.
Molecular consequence: missense variant.
Genome position (GRCh38, 1-based): chr1:162,754,751, C>A. VCF-style: chr1-162754751-C-A. GRCh37 (hg19) VCF-style: chr1-162724541-C-A.
Other names: c.313C>A, p.Arg105Ser (NM_001014796.3, NM_001354982.2, NM_001354983.2); short protein forms R105S.
Identifiers: ClinVar variation 1333307 (VCV001333307.1), dbSNP rs759709680, ClinGen allele CA343405271.